The following is an entry in ClinVar:

ClinVar aggregate classification (germline): Uncertain significance (1 of 4 stars; one submission).

Submission:

Ambry Genetics
Classification: Uncertain significance. Last evaluated: 2025-11-23. Review status: criteria provided, single submitter. Criteria: Ambry Variant Classification Scheme 2023. Collection method: clinical testing. Allele origin: germline.
Comment: The p.A130D variant (also known as c.389C>A), located in coding exon 1 of the PALLD gene, results from a C to A substitution at nucleotide position 389. The alanine at codon 130 is replaced by aspartic acid, an amino acid with dissimilar properties. This amino acid position is conserved. In addition, this alteration is predicted to be tolerated by in silico analysis. Based on the available evidence, the clinical significance of this variant remains unclear.

NM_001166108.2(PALLD):c.1965-12642C>A

Gene: PALLD (palladin, cytoskeletal associated protein; plus strand). Cytogenetic location: 4q32.3.
Variant type: single nucleotide variant.
Coding change: c.1965-12642C>A on transcript NM_001166108.2 (MANE Select); 12642 bases into the intron before coding-DNA position 1965, C replaced by A.
Molecular consequence: intron variant. On other transcripts: missense variant (1).
Genome position (GRCh38, 1-based): chr4:168,878,280, C>A. VCF-style: chr4-168878280-C-A. GRCh37 (hg19) VCF-style: chr4-169799431-C-A.
Other names: c.389C>A, p.Ala130Asp (NM_001166110.2); c.1965-12642C>A (NM_016081.4); c.819-12642C>A (NM_001166109.2); c.-157-12642C>A (NM_001367570.1, NM_001367568.1, NM_001367567.1 and 1 more transcripts); short protein forms A130D.
Identifiers: ClinVar variation 4564187 (VCV004564187.1).
Genomic context (GRCh38, chr4:168,878,280, plus strand): 5'-TGCCGCCGCCACCACCGCCGCTCCCGAGCCCGGGACAGGCGTCCCACTGCTCGTCGCCTG[C>A]CACCCGCTTCGGCCACAGCCAGACGCCCGCGGCCTTCCTCAGCGCTCTGCTGCCCTCGCA-3'